The following is an entry in ClinVar:

ClinVar aggregate classification (germline): Uncertain significance (1 of 4 stars; one submission).

Conditions:
Inborn genetic diseases. Identifiers: MedGen C0950123, MeSH D030342.

Submission:

Ambry Genetics
Classification: Uncertain significance for Inborn genetic diseases. Last evaluated: 2024-01-12. Review status: criteria provided, single submitter. Criteria: Ambry Variant Classification Scheme 2023. Collection method: clinical testing. Allele origin: germline.
Comment: The p.E400Q variant (also known as c.1198G>C), located in coding exon 11 of the LRRK2 gene, results from a G to C substitution at nucleotide position 1198. The glutamic acid at codon 400 is replaced by glutamine, an amino acid with highly similar properties. This amino acid position is conserved. In addition, the in silico prediction for this alteration is inconclusive. Since supporting evidence is limited at this time, the clinical significance of this alteration remains unclear.

NM_198578.4(LRRK2):c.1198G>C (p.Glu400Gln)

Gene: LRRK2 (leucine rich repeat kinase 2; plus strand). Cytogenetic location: 12q12.
Variant type: single nucleotide variant.
Coding change: c.1198G>C on transcript NM_198578.4 (MANE Select); coding-DNA position 1198, G replaced by C.
Protein change: p.Glu400Gln; replaces glutamic acid 400 with glutamine.
Molecular consequence: missense variant.
Genome position (GRCh38, 1-based): chr12:40,252,926, G>C. VCF-style: chr12-40252926-G-C. GRCh37 (hg19) VCF-style: chr12-40646728-G-C.
Other names: short protein forms E400Q.
Identifiers: ClinVar variation 1746575 (VCV001746575.2), dbSNP rs2499514546, ClinGen allele CA384409200.